The following is an entry in ClinVar:

ClinVar aggregate classification (germline): Likely pathogenic (3 of 4 stars; one submission).

Conditions:
Bernard Soulier syndrome (BSS). Also called: GLYCOPROTEIN Ib, PLATELET, DEFICIENCY OF; PLATELET GLYCOPROTEIN Ib DEFICIENCY; VON WILLEBRAND FACTOR RECEPTOR DEFICIENCY; Giant platelet syndrome; Hemorrhagiparous thrombocytic dystrophy; Giant platelet disease. Identifiers: Orphanet 274, MedGen C0005129, MeSH D001606, MONDO:0009276, OMIM 231200.

Submission:

ClinGen Platelet Disorders Variant Curation Expert Panel, ClinGen
Classification: Likely pathogenic for Bernard Soulier syndrome. Last evaluated: 2025-11-06. Review status: reviewed by expert panel. Criteria: ClinGen Platelet ACMG Specifications GP1BA V1.0.0. Collection method: curation. Allele origin: germline. Inheritance: Autosomal recessive inheritance.
Comment: The c.882C>G (p.Tyr294Ter) variant in GP1BA is a nonsense variant that may cause loss of function of the protein, however it is predicted to escape nonsense mediated decay and remove >10% of the protein (PVS1_Strong). At least one patient (Patient V in PMID:22672365) with this variant had less than 10% expression of GPIba measured by flow cytometry, which is highly specific for Bernard-Soulier syndrome. Additionally, the patient had excessive mucocutaneous bleeding and macrothrombocytopenia which are consistent with Bernard-Soulier syndrome (PP4). The Grpmax Filtering allele frequency in gnomAD v4.1.0 is 0.00000553 (based on 2/60024 alleles) in the Admixed American population, which is lower than the ClinGen PD VCEP threshold (<0.0001114; PM2_Supporting). In summary, this variant meets the criteria to be classified as Likely Pathogenic for autosomal recessive Bernard-Soulier syndrome based on the ACMG/AMP criteria applied, as specified by the ClinGen PD VCEP: PVS1_Strong, PP4, PM3_Supporting and PM2_Supporting (VCEP specifications version 1).

NM_000173.7(GP1BA):c.882C>G (p.Tyr294Ter)

Gene: GP1BA (glycoprotein Ib platelet subunit alpha; plus strand). Cytogenetic location: 17p13.2.
Variant type: single nucleotide variant.
Coding change: c.882C>G on transcript NM_000173.7 (MANE Select); coding-DNA position 882, C replaced by G.
Protein change: p.Tyr294Ter; replaces tyrosine 294 with a stop codon.
Molecular consequence: nonsense.
Genome position (GRCh38, 1-based): chr17:4,933,486, C>G. VCF-style: chr17-4933486-C-G. GRCh37 (hg19) VCF-style: chr17-4836781-C-G.
Other names: NM_000173.7:c.882C>G; short protein forms Y294*.
Identifiers: ClinVar variation 4539003 (VCV004539003.1).